The following is an entry in ClinVar:

NM_001035.3(RYR2):c.14090+1G>T

Gene: RYR2 (ryanodine receptor 2; plus strand). Cytogenetic location: 1q43.
Variant type: single nucleotide variant.
Coding change: c.14090+1G>T on transcript NM_001035.3 (MANE Select); the canonical splice donor site of the intron after coding-DNA position 14090, G replaced by T.
Molecular consequence: splice donor variant.
Genome position (GRCh38, 1-based): chr1:237,798,171, G>T. VCF-style: chr1-237798171-G-T. GRCh37 (hg19) VCF-style: chr1-237961471-G-T.
Identifiers: ClinVar variation 1462553 (VCV001462553.7), dbSNP rs770329524, ClinGen allele CA345420143.

ClinVar aggregate classification (germline): Uncertain significance (1 of 4 stars; one submission).

Conditions:
Catecholaminergic polymorphic ventricular tachycardia 1. Also called: RYR2-Related Catecholaminergic Polymorphic Ventricular Tachycardia; VENTRICULAR TACHYCARDIA, STRESS-INDUCED POLYMORPHIC 1; VENTRICULAR TACHYCARDIA, CATECHOLAMINERGIC POLYMORPHIC, 1, WITH OR WITHOUT ATRIAL DYSFUNCTION AND/OR DILATED CARDIOMYOPATHY. Identifiers: Orphanet 3286, MedGen C1631597, MONDO:0011484, OMIM 604772.

Submission:

Labcorp Genetics (formerly Invitae), Labcorp
Classification: Uncertain significance for Catecholaminergic polymorphic ventricular tachycardia 1. Last evaluated: 2021-08-02. Review status: criteria provided, single submitter. Criteria: Invitae Variant Classification Sherloc (09022015). Collection method: clinical testing. Allele origin: germline.
Comment: In summary, the available evidence is currently insufficient to determine the role of this variant in disease. Therefore, it has been classified as a Variant of Uncertain Significance. Algorithms developed to predict the effect of sequence changes on RNA splicing suggest that this variant may disrupt the consensus splice site. This variant has not been reported in the literature in individuals affected with RYR2-related conditions. This variant is not present in population databases (ExAC no frequency). This sequence change affects a donor splice site in intron 97 of the RYR2 gene. It is expected to disrupt RNA splicing. Variants that disrupt the donor or acceptor splice site typically lead to a loss of protein function (PMID: 16199547), however the current clinical and genetic evidence is not sufficient to establish whether loss-of-function variants in RYR2 cause disease.

Literature cited by the submitters: PubMed 16199547.